The following is an entry in ClinVar:

NM_000285.4(PEPD):c.425C>T (p.Ser142Phe)

Gene: PEPD (peptidase D; minus strand). Cytogenetic location: 19q13.11.
Variant type: single nucleotide variant.
Coding change: c.425C>T on transcript NM_000285.4 (MANE Select); coding-DNA position 425, C replaced by T.
Protein change: p.Ser142Phe; replaces serine 142 with phenylalanine.
Molecular consequence: missense variant.
Genome position (GRCh38, 1-based): chr19:33,493,306, G>A on the plus strand (C>T on the coding strand, the complement: PEPD is on the minus strand). VCF-style: chr19-33493306-G-A. GRCh37 (hg19) VCF-style: chr19-33984212-G-A.
Other names: c.425C>T, p.Ser142Phe (NM_001166056.2); c.233C>T, p.Ser78Phe (NM_001166057.2); short protein forms S78F, S142F.
Identifiers: ClinVar variation 1359365 (VCV001359365.4), dbSNP rs375915358, ClinGen allele CA9364358.

ClinVar aggregate classification (germline): Uncertain significance (1 of 4 stars; one submission).

Allele frequency attached by ClinVar (database versions not stated): TOPMed 0.00009; ExAC 0.00011; gnomAD 0.00012 and 0.00013; ESP Exome Variant Server 0.00041.
gnomAD v4.1: 477 of 1,613,390 alleles (0.03%); highest among the groups gnomAD compares: Non-Finnish European, 0.039%; no homozygotes.

Submission:

Labcorp Genetics (formerly Invitae), Labcorp
Classification: Uncertain significance. Last evaluated: 2025-01-13. Review status: criteria provided, single submitter. Criteria: Invitae Variant Classification Sherloc (09022015). Collection method: clinical testing. Allele origin: germline.
Comment: This sequence change replaces serine, which is neutral and polar, with phenylalanine, which is neutral and non-polar, at codon 142 of the PEPD protein (p.Ser142Phe). This variant is present in population databases (rs375915358, gnomAD 0.03%). This variant has not been reported in the literature in individuals affected with PEPD-related conditions. ClinVar contains an entry for this variant (Variation ID: 1359365). Invitae Evidence Modeling of protein sequence and biophysical properties (such as structural, functional, and spatial information, amino acid conservation, physicochemical variation, residue mobility, and thermodynamic stability) indicates that this missense variant is not expected to disrupt PEPD protein function with a negative predictive value of 95%. In summary, the available evidence is currently insufficient to determine the role of this variant in disease. Therefore, it has been classified as a Variant of Uncertain Significance.